The following is an entry in ClinVar:

ClinVar aggregate classification (germline): Uncertain significance (1 of 4 stars; one submission).

Allele frequency attached by ClinVar (database versions not stated): TOPMed below 0.00001; gnomAD 0.00003; gnomAD exomes 0.00003; ExAC 0.00006.
gnomAD v4.1: 45 of 1,613,764 alleles (0.0028%); highest among the groups gnomAD compares: South Asian, 0.04%; no homozygotes.

Submission:

Labcorp Genetics (formerly Invitae), Labcorp
Classification: Uncertain significance. Last evaluated: 2022-06-09. Review status: criteria provided, single submitter. Criteria: Invitae Variant Classification Sherloc (09022015). Collection method: clinical testing. Allele origin: germline.
Comment: Variants that disrupt the consensus splice site are a relatively common cause of aberrant splicing (PMID: 17576681, 9536098). Algorithms developed to predict the effect of sequence changes on RNA splicing suggest that this variant is not likely to affect RNA splicing. In summary, the available evidence is currently insufficient to determine the role of this variant in disease. Therefore, it has been classified as a Variant of Uncertain Significance. This variant has not been reported in the literature in individuals affected with MTMR14-related conditions. This variant is present in population databases (rs769592499, gnomAD 0.03%). This sequence change falls in intron 9 of the MTMR14 gene. It does not directly change the encoded amino acid sequence of the MTMR14 protein. It affects a nucleotide within the consensus splice site.

Literature cited by the submitters: PubMed 17576681; PubMed 9536098.

NM_001077525.3(MTMR14):c.898-3C>T

Gene: MTMR14 (myotubularin related protein 14; plus strand). Cytogenetic location: 3p25.3.
Variant type: single nucleotide variant.
Coding change: c.898-3C>T on transcript NM_001077525.3 (MANE Select); 3 bases into the intron before coding-DNA position 898, C replaced by T.
Molecular consequence: intron variant.
Genome position (GRCh38, 1-based): chr3:9,683,175, C>T. VCF-style: chr3-9683175-C-T. GRCh37 (hg19) VCF-style: chr3-9724859-C-T.
Other names: c.967-3C>T (NM_001400518.1, NM_001400521.1); c.892-3C>T (NM_001400526.1); c.256-3C>T (NM_001400542.1, NM_001400534.1, NM_001400541.1 and 7 more transcripts); c.898-3C>T (NM_001077526.3, NM_022485.5); c.823-3C>T (NM_001400520.1, NM_001400523.1, NM_001400528.1); c.37-3C>T (NM_001400547.1, NM_001400548.1, NM_001400544.1 and 1 more transcripts); c.895-3C>T (NM_001400519.1, NM_001400522.1); c.181-3C>T (NM_001400538.1, NM_001400549.1); and 5 more.
Identifiers: ClinVar variation 2109653 (VCV002109653.4), dbSNP rs769592499, ClinGen allele CA2240507.
Genomic context (GRCh38, chr3:9,683,175, plus strand): 5'-TTTTAAATACTTTAAATTCTAAATCTGAGTTAATGTCCATTTCTTCTCACTTTTCTCCAA[C>T]AGTGTTGGGATCTGGTGCAACAAACACAAAACTACCTGAAGCTGCTGCTTTCCTTAGTTA-3'